The following is an entry in ClinVar:

ClinVar aggregate classification (germline): Pathogenic. Review status: criteria provided, multiple submitters, no conflicts (2 of 4 stars). 2 submissions from 2 submitters: Pathogenic (2). Last evaluated 2024-11-01.

Conditions:
Jeune thoracic dystrophy. Also called: Short-rib thoracic dysplasia; Jeune syndrome; Infantile thoracic dystrophy; Thoracic pelvic phalangeal dystrophy; Jeune's syndrome; Chondroectodermal dysplasia-like syndrome. Identifiers: Orphanet 474, MedGen C0265275, MONDO:0018770.
Asphyxiating thoracic dystrophy 3. Also called: POLYDACTYLY WITH NEONATAL CHONDRODYSTROPHY, TYPE I; SHORT-RIB THORACIC DYSPLASIA 3/6 WITH POLYDACTYLY, DIGENIC; Short rib polydactyly syndrome 2B; SHORT-RIB THORACIC DYSPLASIA 3 WITH OR WITHOUT POLYDACTYLY; Saldino-Noonan Syndrome. Identifiers: Orphanet 474, Orphanet 93269, Orphanet 93270, Orphanet 93271, MedGen C0036069, MONDO:0013127, OMIM 613091.

gnomAD v4.1: 2 of 1,568,664 alleles (0.00013%); highest among the groups gnomAD compares: Non-Finnish European, 0.00017%; no homozygotes.

Submissions (2):

Myriad Genetics, Inc.
Classification: Pathogenic for Asphyxiating thoracic dystrophy 3. Last evaluated: 2024-11-01. Review status: criteria provided, single submitter. Criteria: Myriad Autosomal Dominant, Autosomal Recessive and X-Linked Classification Criteria (2023). Collection method: clinical testing. Allele origin: unknown.
Comment: NM_001377.2(DYNC2H1):c.10252C>T(Q3418*) is expected to be pathogenic in the context of DYNC2H1-related disorders. This variant is predicted to lead to an abnormal or absent protein product due to the creation of a premature termination codon in DYNC2H1, a gene where loss-of-function variants are known to be pathogenic. Please note: this variant was assessed in the context of healthy population screening.

Labcorp Genetics (formerly Invitae), Labcorp
Classification: Pathogenic for Jeune thoracic dystrophy. Last evaluated: 2024-02-01. Review status: criteria provided, single submitter. Criteria: Invitae Variant Classification Sherloc (09022015). Collection method: clinical testing. Allele origin: germline.
Comment: This sequence change creates a premature translational stop signal (p.Gln3425*) in the DYNC2H1 gene. It is expected to result in an absent or disrupted protein product. Loss-of-function variants in DYNC2H1 are known to be pathogenic (PMID: 23339108, 32753734, 33755199). This variant is not present in population databases (gnomAD no frequency). This variant has not been reported in the literature in individuals affected with DYNC2H1-related conditions. For these reasons, this variant has been classified as Pathogenic.

Literature cited by the submitters: PubMed 23339108 (cited by Labcorp Genetics (formerly Invitae), Labcorp); PubMed 32753734 (cited by Labcorp Genetics (formerly Invitae), Labcorp); PubMed 33755199 (cited by Labcorp Genetics (formerly Invitae), Labcorp).

NM_001377.3(DYNC2H1):c.10252C>T (p.Gln3418Ter)

Gene: DYNC2H1 (dynein cytoplasmic 2 heavy chain 1; plus strand). Cytogenetic location: 11q22.3.
Variant type: single nucleotide variant.
Coding change: c.10252C>T on transcript NM_001377.3 (MANE Select); coding-DNA position 10252, C replaced by T.
Protein change: p.Gln3418Ter; replaces glutamine 3418 with a stop codon.
Molecular consequence: nonsense.
Genome position (GRCh38, 1-based): chr11:103,255,460, C>T. VCF-style: chr11-103255460-C-T. GRCh37 (hg19) VCF-style: chr11-103126189-C-T.
Other names: c.10273C>T, p.Gln3425Ter (NM_001080463.2); short protein forms Q3425*, Q3418*.
Identifiers: ClinVar variation 3019150 (VCV003019150.4), dbSNP rs543525711, ClinGen allele CA382249233.